The following is an entry in ClinVar:

NM_004972.4(JAK2):c.2284-6T>C

Genes: INSL6 (insulin like 6; minus strand), JAK2 (Janus kinase 2; plus strand). Cytogenetic location: 9p24.1.
Variant type: single nucleotide variant.
Coding change: c.2284-6T>C on transcript NM_004972.4 (MANE Select); 6 bases into the intron before coding-DNA position 2284, T replaced by C.
Molecular consequence: intron variant.
Genome position (GRCh38, 1-based): chr9:5,080,527, T>C. VCF-style: chr9-5080527-T-C. GRCh37 (hg19) VCF-style: chr9-5080527-T-C.
Other names: c.2284-6T>C (NM_001322194.2, NM_001322195.2, NM_001322196.2); c.1069-6T>C (NM_001322198.2, NM_001322199.2); c.1837-6T>C (NM_001322204.2).
Identifiers: ClinVar variation 2755122 (VCV002755122.3), dbSNP rs751892387, ClinGen allele CA4972117.
Genomic context (GRCh38, chr9:5,080,527, plus strand): 5'-ATTTTAAAAAGAAGGTTGGTGTGGCATTACACAATTTATTCTCAGTTTGTGGTTCTTTAA[T>C]TATAGAAGCTACAATTTTATGAAGATAGGCATCAGCTTCCTGCACCAAAGTGGGCAGAAT-3'

ClinVar aggregate classification (germline): Uncertain significance (1 of 4 stars; one submission).

Allele frequency attached by ClinVar (database versions not stated): gnomAD exomes 0.00001; TOPMed below 0.00001; ExAC 0.00003.
gnomAD v4.1: 11 of 1,578,682 alleles (0.0007%); highest among the groups gnomAD compares: Admixed American, 0.002%; no homozygotes.

Submission:

Labcorp Genetics (formerly Invitae), Labcorp
Classification: Uncertain significance. Last evaluated: 2025-09-13. Review status: criteria provided, single submitter. Criteria: Invitae Variant Classification Sherloc (09022015). Collection method: clinical testing. Allele origin: germline.
Comment: This sequence change falls in intron 17 of the JAK2 gene. It does not directly change the encoded amino acid sequence of the JAK2 protein. This variant is present in population databases (rs751892387, gnomAD 0.004%). This variant has not been reported in the literature in individuals affected with JAK2-related conditions. ClinVar contains an entry for this variant (Variation ID: 2755122). Algorithms developed to predict the effect of sequence changes on RNA splicing suggest that this variant may disrupt the consensus splice site. In summary, the available evidence is currently insufficient to determine the role of this variant in disease. Therefore, it has been classified as a Variant of Uncertain Significance.